The following is an entry in ClinVar:

NM_005720.4(ARPC1B):c.621C>T (p.Gly207=)

Gene: ARPC1B (actin related protein 2/3 complex subunit 1B; plus strand). Cytogenetic location: 7q22.1.
Variant type: single nucleotide variant.
Coding change: c.621C>T on transcript NM_005720.4 (MANE Select); coding-DNA position 621, C replaced by T.
Protein change: p.Gly207=; no amino-acid change (glycine 207 retained).
Molecular consequence: synonymous variant.
Genome position (GRCh38, 1-based): chr7:99,391,013, C>T. VCF-style: chr7-99391013-C-T. GRCh37 (hg19) VCF-style: chr7-98988636-C-T.
Identifiers: ClinVar variation 2181436 (VCV002181436.4), dbSNP rs1794553573, ClinGen allele CA456871650.

ClinVar aggregate classification (germline): Uncertain significance (1 of 4 stars; one submission).

Allele frequency attached by ClinVar (database versions not stated): gnomAD 0.00002; gnomAD exomes 0.00002; TOPMed 0.00002.
gnomAD v4.1: 28 of 1,613,788 alleles (0.0017%); highest among the groups gnomAD compares: African/African-American, 0.0027%; no homozygotes.

Submission:

Labcorp Genetics (formerly Invitae), Labcorp
Classification: Uncertain significance. Last evaluated: 2022-05-17. Review status: criteria provided, single submitter. Criteria: Invitae Variant Classification Sherloc (09022015). Collection method: clinical testing. Allele origin: germline.
Comment: This variant is not present in population databases (gnomAD no frequency). This sequence change affects codon 207 of the ARPC1B mRNA. It is a 'silent' change, meaning that it does not change the encoded amino acid sequence of the ARPC1B protein. In summary, the available evidence is currently insufficient to determine the role of this variant in disease. Therefore, it has been classified as a Variant of Uncertain Significance. Algorithms developed to predict the effect of sequence changes on RNA splicing suggest that this variant may create or strengthen a splice site. This variant has not been reported in the literature in individuals affected with ARPC1B-related conditions.